The following is an entry in ClinVar:

NM_000252.3(MTM1):c.528G>A (p.Gln176=)

Gene: MTM1 (myotubularin 1; plus strand). Cytogenetic location: Xq28.
Variant type: single nucleotide variant.
Coding change: c.528G>A on transcript NM_000252.3 (MANE Select); coding-DNA position 528, G replaced by A.
Protein change: p.Gln176=; no amino-acid change (glutamine 176 retained).
Molecular consequence: synonymous variant.
Genome position (GRCh38, 1-based): chrX:150,639,026, G>A. VCF-style: chrX-150639026-G-A. GRCh37 (hg19) VCF-style: chrX-149807499-G-A.
Other names: c.528G>A, p.Gln176= (NM_001376906.1, NM_001376908.1); c.417G>A, p.Gln139= (NM_001376907.1).
Identifiers: ClinVar variation 3706414 (VCV003706414.3).

ClinVar aggregate classification (germline): Uncertain significance (1 of 4 stars; one submission).

Conditions:
Severe X-linked myotubular myopathy (CNMX). Also called: X-linked centronuclear myopathy; Myotubular myopathy, X-linked; MYOTUBULAR MYOPATHY 1. Identifiers: Orphanet 596, MedGen C0410203, MONDO:0010683, OMIM 310400.

Submissions (2):

Labcorp Genetics (formerly Invitae), Labcorp
Classification: Uncertain significance for Severe X-linked myotubular myopathy. Last evaluated: 2025-07-14. Review status: criteria provided, single submitter. Criteria: Invitae Variant Classification Sherloc (09022015). Collection method: clinical testing. Allele origin: germline.
Comment: This sequence change affects codon 176 of the MTM1 mRNA. It is a 'silent' change, meaning that it does not change the encoded amino acid sequence of the MTM1 protein. This variant also falls at the last nucleotide of exon 7, which is part of the consensus splice site for this exon. This variant is not present in population databases (gnomAD no frequency). This variant has been observed in individual(s) with clinical features of myotubular myopathy (PMID: 29172004). ClinVar contains an entry for this variant (Variation ID: 3706414). Variants that disrupt the consensus splice site are a relatively common cause of aberrant splicing (PMID: 17576681, 9536098). Algorithms developed to predict the effect of sequence changes on RNA splicing suggest that this variant may disrupt the consensus splice site. In summary, the available evidence is currently insufficient to determine the role of this variant in disease. Therefore, it has been classified as a Variant of Uncertain Significance.

Dr. Peter K. Rogan Lab, Western University
No classification provided (evidence only). Condition: Thyroid cancer, nonmedullary, 1. Review status: no classification provided. Collection method: in vitro. Allele origin: not applicable. Functional consequence: retained intron. Not counted in ClinVar's aggregate classification.

Literature cited by the submitters: PubMed 29172004 (cited by Labcorp Genetics (formerly Invitae), Labcorp); PubMed 17576681 (cited by Labcorp Genetics (formerly Invitae), Labcorp); PubMed 9536098 (cited by Labcorp Genetics (formerly Invitae), Labcorp).